The following is an entry in ClinVar:

ClinVar aggregate classification (germline): Uncertain significance (1 of 4 stars; one submission).

Submission:

Labcorp Genetics (formerly Invitae), Labcorp
Classification: Uncertain significance. Last evaluated: 2022-02-05. Review status: criteria provided, single submitter. Criteria: Invitae Variant Classification Sherloc (09022015). Collection method: clinical testing. Allele origin: germline.
Comment: This variant has not been reported in the literature in individuals affected with GRM6-related conditions. This variant is not present in population databases (gnomAD no frequency). This variant, c.368_373dup, results in the insertion of 2 amino acid(s) of the GRM6 protein (p.Gly123_Asp124dup), but otherwise preserves the integrity of the reading frame. Experimental studies and prediction algorithms are not available or were not evaluated, and the effect of this variant on mRNA splicing is currently unknown. In summary, the available evidence is currently insufficient to determine the role of this variant in disease. Therefore, it has been classified as a Variant of Uncertain Significance.

NM_000843.4(GRM6):c.362GCGACG[3] (p.121GD[3])

Gene: GRM6 (glutamate metabotropic receptor 6; minus strand). Cytogenetic location: 5q35.3.
Variant type: Microsatellite.
Coding change: c.362GCGACG[3] on transcript NM_000843.4 (MANE Select); three copies in a row of the 6-base unit GCGACG starting at c.362; the reference has two copies in a row; one copy, 6 bases duplicated.
Protein change: p.121GD[3].
Molecular consequence: inframe insertion.
Genome position (GRCh38, 1-based): chr5:178,994,572-178,994,577, CGTCGC duplicated on the plus strand (GCGACG on the coding strand, the reverse complement: GRM6 is on the minus strand); duplicating any 6 consecutive bases within chr5:178,994,572-178,994,585 gives the same sequence; the position shown is the placement nearest the transcript's 3' end. VCF-style (leftmost placement, unchanged base first): chr5-178994571-T-TCGTCGC. GRCh37 (hg19) VCF-style: chr5-178421572-T-TCGTCGC.
Identifiers: ClinVar variation 1000539 (VCV001000539.8), dbSNP rs1340892217, ClinGen allele CA808240274.
Genomic context (GRCh38, chr5:178,994,571, plus strand): 5'-ACGCGCTCGGGGGGCGCGGGGCGCAGCGGAGGGACGCCTCCCGGGCAGCGCACGCCCACC[T>TCGTCGC]CGTCGCCGTCGCCGCGGCCGCGGATCAGCGCCTGCACGAAGCTCAGCGCCTGCTCCAGCG-3'